The following is an entry in ClinVar:

NM_021625.5(TRPV4):c.709C>G (p.Arg237Gly)

Gene: TRPV4 (transient receptor potential cation channel subfamily V member 4; minus strand). Cytogenetic location: 12q24.11.
Variant type: single nucleotide variant.
Coding change: c.709C>G on transcript NM_021625.5 (MANE Select); coding-DNA position 709, C replaced by G.
Protein change: p.Arg237Gly; replaces arginine 237 with glycine.
Molecular consequence: missense variant.
Genome position (GRCh38, 1-based): chr12:109,802,994, G>C on the plus strand (C>G on the coding strand, the complement: TRPV4 is on the minus strand). VCF-style: chr12-109802994-G-C. GRCh37 (hg19) VCF-style: chr12-110240799-G-C.
Other names: c.709C>G, p.Arg237Gly (NM_001177433.2, NM_147204.3, NM_001177428.2); c.607C>G, p.Arg203Gly (NM_001177431.2); short protein forms R203G, R237G.
Identifiers: ClinVar variation 1073853 (VCV001073853.9), dbSNP rs746368269, ClinGen allele CA386655934.

ClinVar aggregate classification (germline): Pathogenic (1 of 4 stars; one submission).

Conditions:
Charcot-Marie-Tooth disease axonal type 2C (HMSN2C). Also called: Charcot-Marie-Tooth Disease Type 2, TRPV4-Related (CMT2C); CHARCOT-MARIE-TOOTH DISEASE, AXONAL, AUTOSOMAL DOMINANT, TYPE 2C; Charcot-Marie-Tooth Neuropathy Type 2C. Identifiers: Orphanet 99937, MedGen C1853710, MONDO:0011633, OMIM 606071.

Submission:

Labcorp Genetics (formerly Invitae), Labcorp
Classification: Pathogenic for Charcot-Marie-Tooth disease axonal type 2C. Last evaluated: 2022-10-01. Review status: criteria provided, single submitter. Criteria: Invitae Variant Classification Sherloc (09022015). Collection method: clinical testing. Allele origin: germline.
Comment: For these reasons, this variant has been classified as Pathogenic. This variant disrupts the p.Arg237 amino acid residue in TRPV4. Other variant(s) that disrupt this residue have been determined to be pathogenic (PMID: 27066566). This suggests that this residue is clinically significant, and that variants that disrupt this residue are likely to be disease-causing. Experimental studies have shown that this missense change affects TRPV4 function (PMID: 27066566). Advanced modeling of protein sequence and biophysical properties (such as structural, functional, and spatial information, amino acid conservation, physicochemical variation, residue mobility, and thermodynamic stability) performed at Invitae indicates that this missense variant is expected to disrupt TRPV4 protein function. ClinVar contains an entry for this variant (Variation ID: 1073853). This missense change has been observed in individuals with Charcot-Marie-Tooth disease (PMID: 27066566; Invitae). It has also been observed to segregate with disease in related individuals. This variant is not present in population databases (gnomAD no frequency). This sequence change replaces arginine, which is basic and polar, with glycine, which is neutral and non-polar, at codon 237 of the TRPV4 protein (p.Arg237Gly).

Literature cited by the submitters: PubMed 27066566.